The following is an entry in ClinVar:

ClinVar aggregate classification (germline): Uncertain significance (1 of 4 stars; one submission).

Conditions:
Brachyolmia-amelogenesis imperfecta syndrome. Also called: PLATYSPONDYLY WITH AMELOGENESIS IMPERFECTA; Tooth agenesis, selective, 6; Dental anomalies and short stature. Identifiers: Orphanet 2899, MedGen C1832594, MONDO:0011018, OMIM 601216. Disease mechanism: loss of function.

Submission:

Labcorp Genetics (formerly Invitae), Labcorp
Classification: Uncertain significance for Brachyolmia-amelogenesis imperfecta syndrome. Last evaluated: 2025-09-22. Review status: criteria provided, single submitter. Criteria: Invitae Variant Classification Sherloc (09022015). Collection method: clinical testing. Allele origin: germline.
Comment: This variant, c.2743_2745del, results in the deletion of 1 amino acid(s) of the LTBP3 protein (p.His915del), but otherwise preserves the integrity of the reading frame. This variant is not present in population databases (gnomAD no frequency). This variant has not been reported in the literature in individuals affected with LTBP3-related conditions. Experimental studies and prediction algorithms are not available or were not evaluated, and the functional significance of this variant is currently unknown. In summary, the available evidence is currently insufficient to determine the role of this variant in disease. Therefore, it has been classified as a Variant of Uncertain Significance.

NM_001130144.3(LTBP3):c.2740CAC[1] (p.His915del)

Gene: LTBP3 (latent transforming growth factor beta binding protein 3; minus strand). Cytogenetic location: 11q13.1.
Variant type: Microsatellite.
Coding change: c.2740CAC[1] on transcript NM_001130144.3 (MANE Select); one copy of the 3-base unit CAC starting at c.2740; the reference has two copies in a row; one copy, 3 bases deleted.
Protein change: p.His915del; deletes histidine 915.
Molecular consequence: inframe deletion.
Genome position (GRCh38, 1-based): chr11:65,541,274-65,541,276, GTG deleted on the plus strand (CAC on the coding strand, the reverse complement: LTBP3 is on the minus strand); deleting any 3 consecutive bases within chr11:65,541,274-65,541,280 gives the same sequence; the position shown is the placement nearest the transcript's 3' end. VCF-style (leftmost placement, unchanged base first): chr11-65541273-TGTG-T. GRCh37 (hg19) VCF-style: chr11-65308744-TGTG-T.
Other names: c.2389CAC[1], p.His798del (NM_001164266.1); c.2740CAC[1], p.His915del (NM_021070.4); short protein forms H915del, H798del.
Identifiers: ClinVar variation 4710059 (VCV004710059.1).